The following is an entry in ClinVar:

NM_004006.3(DMD):c.1621G>T (p.Ala541Ser)

Gene: DMD (dystrophin; minus strand). Cytogenetic location: Xp21.1.
Variant type: single nucleotide variant.
Coding change: c.1621G>T on transcript NM_004006.3 (MANE Select); coding-DNA position 1621, G replaced by T.
Protein change: p.Ala541Ser; replaces alanine 541 with serine.
Molecular consequence: missense variant.
Genome position (GRCh38, 1-based): chrX:32,573,828, C>A on the plus strand (G>T on the coding strand, the complement: DMD is on the minus strand). VCF-style: chrX-32573828-C-A. GRCh37 (hg19) VCF-style: chrX-32591945-C-A.
Other names: c.1597G>T, p.Ala533Ser (NM_000109.4); c.1609G>T, p.Ala537Ser (NM_004009.3); c.1252G>T, p.Ala418Ser (NM_004010.3); short protein forms A418S, A541S, A533S, A537S.
Identifiers: ClinVar variation 2696740 (VCV002696740.3), dbSNP rs2526758480, ClinGen allele CA412673498.

ClinVar aggregate classification (germline): Uncertain significance (1 of 4 stars; one submission).

Conditions:
Duchenne muscular dystrophy (DMD). Also called: MUSCULAR DYSTROPHY, PSEUDOHYPERTROPHIC PROGRESSIVE, DUCHENNE TYPE; Duchenne Muscular Dystrophy (DMD). Identifiers: Orphanet 98896, MedGen C0013264, MONDO:0010679, OMIM 310200.

Submission:

Labcorp Genetics (formerly Invitae), Labcorp
Classification: Uncertain significance for Duchenne muscular dystrophy. Last evaluated: 2024-09-26. Review status: criteria provided, single submitter. Criteria: Invitae Variant Classification Sherloc (09022015). Collection method: clinical testing. Allele origin: germline.
Comment: This sequence change replaces alanine, which is neutral and non-polar, with serine, which is neutral and polar, at codon 541 of the DMD protein (p.Ala541Ser). This variant is not present in population databases (gnomAD no frequency). This variant has not been reported in the literature in individuals affected with DMD-related conditions. Invitae Evidence Modeling of protein sequence and biophysical properties (such as structural, functional, and spatial information, amino acid conservation, physicochemical variation, residue mobility, and thermodynamic stability) indicates that this missense variant is not expected to disrupt DMD protein function with a negative predictive value of 95%. In summary, the available evidence is currently insufficient to determine the role of this variant in disease. Therefore, it has been classified as a Variant of Uncertain Significance.